The following is an entry in ClinVar:

NM_000517.6(HBA2):c.48dup (p.Lys17Ter)

Genes: HBA2 (hemoglobin subunit alpha 2; plus strand), LOC106804612 (hemoglobin subunit alpha 2 recombination region; plus strand). Cytogenetic location: 16p13.3.
Variant type: Duplication.
Coding change: c.48dup on transcript NM_000517.6 (MANE Select); coding-DNA position 48, one base duplicated (T; older notation c.48dupT).
Protein change: p.Lys17Ter; replaces lysine 17 with a stop codon.
Molecular consequence: nonsense.
Genome position (GRCh38, 1-based): chr16:172,960, T duplicated. VCF-style (leftmost placement, unchanged base first): chr16-172959-G-GT. GRCh37 (hg19) VCF-style: chr16-222958-G-GT.
Other names: c.48dupT (NM_000517.5); short protein forms K17*.
Identifiers: ClinVar variation 3579872 (VCV003579872.2).
Genomic context (GRCh38, chr16:172,959, plus strand): 5'-AGAGAGAACCCACCATGGTGCTGTCTCCTGCCGACAAGACCAACGTCAAGGCCGCCTGGG[G>GT]TAAGGTCGGCGCGCACGCTGGCGAGTATGGTGCGGAGGCCCTGGAGAGGTGAGGCTCCCT-3'

ClinVar aggregate classification (germline): Likely pathogenic. Review status: criteria provided, multiple submitters, no conflicts (2 of 4 stars). 2 submissions from 2 submitters: Likely pathogenic (2). Last evaluated 2025-08-08.

Conditions:
alpha Thalassemia. Also called: Alpha thalassemia spectrum. Identifiers: Orphanet 846, MedGen C0002312, MONDO:0011399, OMIM 604131.
Heinz body anemia. Also called: Heinz body hemolytic anemia. Identifiers: Orphanet 178330, MedGen C0700299, MONDO:0007705, OMIM 140700, HP:0005511.
Erythrocytosis, familial, 7. Also called: ERYTHROCYTOSIS, ALPHA-GLOBIN TYPE; POLYCYTHEMIA, ALPHA-GLOBIN TYPE; ERYTHROCYTOSIS 7. Identifiers: MedGen C4693823, MONDO:0054802, OMIM 617981.
Hemoglobin H disease (HBH). Also called: Hemoglobin H (HbH) Disease; ALPHA-THALASSEMIA, HEMOGLOBIN H TYPE; HEMOGLOBIN H DISEASE, DELETIONAL. Identifiers: Orphanet 93616, MedGen C3161174, MONDO:0013512, OMIM 613978. Disease mechanism: loss of function.

Submissions (2):

Natera, Inc.
Classification: Likely pathogenic for Alpha thalassemia. Last evaluated: 2025-08-08. Review status: criteria provided, single submitter. Criteria: Natera Variant Classification Schema (03/2026). Collection method: clinical testing. Allele origin: germline.
Comment: The c.48dupT variant in HBA2 is a frameshift variant predicted to shift the reading frame and introduce a stop codon. This variant is expected to result in nonsense mediated decay, truncation, or a dysfunctional protein product. This variant is rare in the general population with a frequency below the threshold expected for the associated phenotype(s). Given the available evidence, this variant is classified as Likely Pathogenic.

Fulgent Genetics
Classification: Likely pathogenic for Heinz body anemia; alpha Thalassemia; Hemoglobin H disease; Erythrocytosis, familial, 7. Last evaluated: 2024-02-15. Review status: criteria provided, single submitter. Criteria: ACMG Guidelines, 2015. Collection method: clinical testing. Allele origin: germline.